The following is an entry in ClinVar:

NM_000258.3(MYL3):c.61C>T (p.Pro21Ser)

Gene: MYL3 (myosin light chain 3; minus strand). Cytogenetic location: 3p21.31.
Variant type: single nucleotide variant.
Coding change: c.61C>T on transcript NM_000258.3 (MANE Select); coding-DNA position 61, C replaced by T.
Protein change: p.Pro21Ser; replaces proline 21 with serine.
Molecular consequence: missense variant.
Genome position (GRCh38, 1-based): chr3:46,863,330, G>A on the plus strand (C>T on the coding strand, the complement: MYL3 is on the minus strand). VCF-style: chr3-46863330-G-A. GRCh37 (hg19) VCF-style: chr3-46904820-G-A.
Other names: short protein forms P21S.
Identifiers: ClinVar variation 922760 (VCV000922760.19), dbSNP rs779557153, ClinGen allele CA045062.
Genomic context (GRCh38, chr3:46,863,330, plus strand): 5'-TGGAAGCATCAAACTCGACCTCCTTAGGGCGCTCAGGCTCAGGGGGAGGTGCGGGAGCTG[G>A]AGCTGCCTTGGGGGCTGCCTTGGCATCATCCTTCTTGGGCTCTGGCTTTTTGGGGGCCAT-3'
Protein context (NP_000249.1, residues 11-31): DDAKAAPKAA[Pro21Ser]APAPPPEPER

ClinVar aggregate classification (germline): Uncertain significance. Review status: criteria provided, multiple submitters, no conflicts (2 of 4 stars). 8 submissions from 8 submitters: Uncertain significance (8). Last evaluated 2026-01-11.

Conditions:
MYL3-related disorder. Also called: MYL3-related condition.
Cardiovascular phenotype. Identifiers: MedGen CN230736.
Hypertrophic cardiomyopathy 8. Also called: MYL3-Related Familial Hypertrophic Cardiomyopathy; CARDIOMYOPATHY, HYPERTROPHIC, MID-LEFT VENTRICULAR CHAMBER TYPE, 1. Identifiers: MedGen C1837471, MONDO:0012111, OMIM 608751.
Hypertrophic cardiomyopathy. Also called: HYPERTROPHIC MYOCARDIOPATHY. Identifiers: Orphanet 217569, MedGen C0007194, MeSH D002312, MONDO:0005045, HP:0001639.
Cardiomyopathy (CMYO). Also called: Cardiomyopathies. Identifiers: Orphanet 167848, MedGen C0878544, MONDO:0004994, HP:0001638. Inheritance: Various modes of inheritance.

Allele frequency attached by ClinVar (database versions not stated): ExAC 0.00001; gnomAD exomes 0.00001; gnomAD 0.00002; TOPMed 0.00002.

Submissions (8):

Labcorp Genetics (formerly Invitae), Labcorp
Classification: Uncertain significance for Hypertrophic cardiomyopathy. Last evaluated: 2026-01-11. Review status: criteria provided, single submitter. Criteria: Invitae Variant Classification Sherloc (09022015). Collection method: clinical testing. Allele origin: germline.
Comment: This sequence change replaces proline, which is neutral and non-polar, with serine, which is neutral and polar, at codon 21 of the MYL3 protein (p.Pro21Ser). This variant is present in population databases (rs779557153, gnomAD 0.003%). This variant has not been reported in the literature in individuals affected with MYL3-related conditions. ClinVar contains an entry for this variant (Variation ID: 922760). Experimental studies and prediction algorithms are not available or were not evaluated, and the functional significance of this variant is currently unknown. In summary, the available evidence is currently insufficient to determine the role of this variant in disease. Therefore, it has been classified as a Variant of Uncertain Significance.

PreventionGenetics, part of Exact Sciences
Classification: Uncertain significance for MYL3-related condition. Last evaluated: 2025-06-20. Review status: criteria provided, single submitter. Criteria: ACMG Guidelines, 2015. Collection method: clinical testing. Allele origin: germline.
Comment: The MYL3 c.61C>T variant is predicted to result in the amino acid substitution p.Pro21Ser. To our knowledge, this variant has not been reported in the literature. This variant is reported in 0.0026% of alleles in individuals of European (Non-Finnish) descent in gnomAD. At this time, the clinical significance of this variant is uncertain due to the absence of conclusive functional and genetic evidence.

GeneDx
Classification: Uncertain significance. Last evaluated: 2024-05-13. Review status: criteria provided, single submitter. Criteria: GeneDx Variant Classification Process June 2021. Collection method: clinical testing. Allele origin: germline. Affected: yes.
Comment: Not observed at significant frequency in large population cohorts (gnomAD); In silico analysis supports that this missense variant has a deleterious effect on protein structure/function; Has not been previously published as pathogenic or benign to our knowledge

Color Diagnostics, LLC DBA Color Health
Classification: Uncertain significance for Cardiomyopathy. Last evaluated: 2024-03-06. Review status: criteria provided, single submitter. Criteria: ACMG Guidelines, 2015. Collection method: clinical testing. Allele origin: germline.
Comment: This missense variant replaces proline with serine at codon 21 of the MYL3 protein. Computational prediction suggests that this variant may not impact protein structure and function (internally defined REVEL score threshold <= 0.5, PMID: 27666373). To our knowledge, functional studies have not been reported for this variant. This variant has not been reported in individuals affected with MYL3-related disorders in the literature. This variant has been identified in 3/250834 chromosomes in the general population by the Genome Aggregation Database (gnomAD). The available evidence is insufficient to determine the role of this variant in disease conclusively. Therefore, this variant is classified as a Variant of Uncertain Significance.

Blueprint Genetics
Classification: Uncertain significance. Last evaluated: 2024-02-29. Review status: criteria provided, single submitter. Criteria: ACMG Guidelines, 2015. Collection method: clinical testing. Allele origin: germline.

All of Us Research Program, National Institutes of Health
Classification: Uncertain significance for Hypertrophic cardiomyopathy. Last evaluated: 2023-11-02. Review status: criteria provided, single submitter. Criteria: ACMG Guidelines, 2015. Collection method: clinical testing. Allele origin: germline. Inheritance: Autosomal dominant inheritance. Observed: 3 variant alleles, 3 heterozygotes.
Comment: This missense variant replaces proline with serine at codon 21 of the MYL3 protein. Computational prediction suggests that this variant may not impact protein structure and function (internally defined REVEL score threshold <= 0.5, PMID: 27666373). Splice site prediction tools suggest that this variant may not impact RNA splicing. To our knowledge, functional studies have not been performed for this variant. This variant has not been reported in individuals affected with cardiovascular disorders in the literature. This variant has been identified in 3/250834 chromosomes in the general population by the Genome Aggregation Database (gnomAD). The available evidence is insufficient to determine the role of this variant in disease conclusively. Therefore, this variant is classified as a Variant of Uncertain Significance.

This study involves interpretation of variants in research participants for the purpose of population health screening. Participant phenotype was not available at the time of variant classification. Additional details can be found in publication PMID: 35346344, PMCID: PMC8962531

Ambry Genetics
Classification: Uncertain significance for Cardiovascular phenotype. Last evaluated: 2023-06-12. Review status: criteria provided, single submitter. Criteria: Ambry Variant Classification Scheme 2023. Collection method: clinical testing. Allele origin: germline.
Comment: The p.P21S variant (also known as c.61C>T), located in coding exon 1 of the MYL3 gene, results from a C to T substitution at nucleotide position 61. The proline at codon 21 is replaced by serine, an amino acid with similar properties. This amino acid position is not well conserved in available vertebrate species. In addition, this alteration is predicted to be tolerated by in silico analysis. Since supporting evidence is limited at this time, the clinical significance of this alteration remains unclear.

Fulgent Genetics
Classification: Uncertain significance for Hypertrophic cardiomyopathy 8. Last evaluated: 2022-04-25. Review status: criteria provided, single submitter. Criteria: ACMG Guidelines, 2015. Collection method: clinical testing. Allele origin: unknown.